The following is an entry in ClinVar:

NM_014324.6(AMACR):c.552+4A>T

Genes: AMACR (alpha-methylacyl-CoA racemase; minus strand), C1QTNF3-AMACR (C1QTNF3-AMACR readthrough (NMD candidate); minus strand). Cytogenetic location: 5p13.2.
Variant type: single nucleotide variant.
Coding change: c.552+4A>T on transcript NM_014324.6 (MANE Select); 4 bases into the intron after coding-DNA position 552, A replaced by T.
Molecular consequence: intron variant.
Genome position (GRCh38, 1-based): chr5:34,004,570, T>A on the plus strand (A>T on the coding strand, the complement: AMACR is on the minus strand). VCF-style: chr5-34004570-T-A. GRCh37 (hg19) VCF-style: chr5-34004675-T-A.
Other names: c.391+1186A>T (NM_203382.3); c.552+4A>T (NM_001167595.2).
Identifiers: ClinVar variation 1944229 (VCV001944229.5), dbSNP rs1223051569, ClinGen allele CA2580073171.
Genomic context (GRCh38, chr5:34,004,570, plus strand): 5'-TTTTAAGCAGCTATATCTTAAACTTAGGGACAAGTGGCAGGCATCTACCCCAATTAATAC[T>A]TACCATATTTGCATCAATGACCTGACCCTTGCCAGTGCGTGTGCGGTCAAAAAGAGCCAT-3'

ClinVar aggregate classification (germline): Uncertain significance (1 of 4 stars; one submission).

Conditions:
Alpha-methylacyl-CoA racemase deficiency (AMACRD). Also called: AMACR deficiency. Identifiers: Orphanet 79095, MedGen C3280428, MONDO:0013681, OMIM 614307. Disease mechanism: loss of function.

gnomAD v4.1: 1 of 1,614,066 alleles (0.000062%); highest among the groups gnomAD compares: Non-Finnish European, 0.000085%; no homozygotes.

Submission:

Labcorp Genetics (formerly Invitae), Labcorp
Classification: Uncertain significance for Alpha-methylacyl-CoA racemase deficiency. Last evaluated: 2022-07-04. Review status: criteria provided, single submitter. Criteria: Invitae Variant Classification Sherloc (09022015). Collection method: clinical testing. Allele origin: germline.
Comment: In summary, the available evidence is currently insufficient to determine the role of this variant in disease. Therefore, it has been classified as a Variant of Uncertain Significance. Variants that disrupt the consensus splice site are a relatively common cause of aberrant splicing (PMID: 17576681, 9536098). Algorithms developed to predict the effect of sequence changes on RNA splicing suggest that this variant may disrupt the consensus splice site. This variant has not been reported in the literature in individuals affected with AMACR-related conditions. This variant is not present in population databases (gnomAD no frequency). This sequence change falls in intron 3 of the AMACR gene. It does not directly change the encoded amino acid sequence of the AMACR protein. It affects a nucleotide within the consensus splice site.

Literature cited by the submitters: PubMed 17576681; PubMed 9536098.